The following is an entry in ClinVar:

NM_001009944.3(PKD1):c.2853+5G>C

Gene: PKD1 (polycystin 1, transient receptor potential channel interacting; minus strand). Cytogenetic location: 16p13.3.
Variant type: single nucleotide variant.
Coding change: c.2853+5G>C on transcript NM_001009944.3 (MANE Select); 5 bases into the intron after coding-DNA position 2853, G replaced by C.
Molecular consequence: intron variant.
Genome position (GRCh38, 1-based): chr16:2,114,165, C>G on the plus strand (G>C on the coding strand, the complement: PKD1 is on the minus strand). VCF-style: chr16-2114165-C-G. GRCh37 (hg19) VCF-style: chr16-2164166-C-G.
Other names: c.2853+5G>C (NM_000296.4).
Identifiers: ClinVar variation 3234057 (VCV003234057.2), dbSNP rs1287693928, ClinGen allele CA2825002330.

ClinVar aggregate classification (germline): Uncertain significance. Review status: criteria provided, multiple submitters, no conflicts (2 of 4 stars). 2 submissions from 2 submitters: Uncertain significance (2). Last evaluated 2025-12-19.

Conditions:
Polycystic kidney disease, adult type (PKD1). Also called: Polycystic Kidney Disease 1, Autosomal Dominant; Polycystic kidney disease 1; Polycystic kidney disease 1, severe; Polycystic Kidney, Autosomal Dominant; POLYCYSTIC KIDNEY DISEASE, ADULT, TYPE I; POLYCYSTIC KIDNEY DISEASE 1 WITH OR WITHOUT POLYCYSTIC LIVER DISEASE. Identifiers: MedGen C3149841, MONDO:0008263, OMIM 173900.

Submissions (2):

3billion
Classification: Uncertain significance for Polycystic kidney disease, adult type. Last evaluated: 2025-12-19. Review status: criteria provided, single submitter. Criteria: ACMG Guidelines, 2015. Collection method: clinical testing. Allele origin: germline. Affected: yes.
Comment: The variant is not observed in the gnomAD v4.1.0 dataset. Predicted Consequence/Location: Intron variant In silico tools predict the variant to alter splicing and produce an abnormal transcript [SpliceAI: 0.86 (>=0.2, moderate evidence for spliceogenicity)]. The variant has been reported as of uncertain significance (ClinVar ID: VCV003234057). Therefore, this variant is classified as VUS according to the recommendation of ACMG/AMP guideline.

MVZ Medizinische Genetik Mainz
Classification: Uncertain significance for Polycystic kidney disease, adult type. Last evaluated: 2022-02-14. Review status: criteria provided, single submitter. Criteria: UK Practice Guidelines For Variant Classification V4 01 2020. Collection method: clinical testing. Allele origin: germline. Inheritance: Autosomal dominant inheritance. Affected: yes. Observed: 1 variant allele.
Comment: ACMG Criteria: PS1_SUP, PM2_SUP, PP3, PP4 (ACMG Version 3)